The following is an entry in ClinVar:

ClinVar aggregate classification (germline): Likely pathogenic (1 of 4 stars; one submission).

Submission:

Quest Diagnostics Nichols Institute San Juan Capistrano
Classification: Likely pathogenic. Last evaluated: 2022-03-21. Review status: criteria provided, single submitter. Criteria: ACMG/ClinGen CNV Guidelines, 2019. Collection method: clinical testing. Allele origin: unknown.
Comment: This copy number gain involves multiple genes and encompasses are current genomic imbalance locus at 16p13.11. The recurrent 16p13.11 duplication confers susceptibility to a range of neurodevelopmental disorders including autism spectrum disorder, developmental delay, intellectual disability, and speech delay. Additionally, increased risk for cardiovascular disease has been noted. The clinical significance of this recurrent duplication has been debated, because similar duplications are repeatedly observed in uncharacterized controls and in unaffected relatives. However, the duplication is enriched in patients versus controls in multiple case-control studies, with some exceptions. A male-biased effect on the penetrance of the neurodevelopmental phenotypes has been reported. Thus, the clinical significance of this copy number variant (CNV) is likely pathogenic. Please note: because of variable phenotypic expressivity, incomplete penetrance, and occurrence in control populations, it is best interpreted as a susceptibility locus. References: Allach El Khattabi et al . J Med Genet. 2020;57(5):301-7. PMID:30287593. Ullmann et al. Hum Mutat. 2007;28(7):674-82. PMID: 17480035. Hannes et al. J Med Genet. 2009;46(4):223-32. PMID: 18550696. Coe et al. Nat Genet. 2014;46(10):1063-71. PMID: 25217958. Girirajan et al. N Engl J Med. 2012;367(14):1321-31. PMID: 22970919. Kaminsky et al. Genet Med. 2011 Sep;13(9):777-84. PMID: 21844811. Tropeano et al. PLoS One. 2013;8(4):e61365. PMID: 23637818.

GRCh37/hg19 16p13.12-12.3(chr16:14365745-17052798)x3

Genes: ABCC1 (ATP binding cassette subfamily C member 1 (ABCC1 blood group); plus strand), ABCC6 (ATP binding cassette subfamily C member 6; minus strand), BFAR (bifunctional apoptosis regulator; plus strand), BMERB1 (bMERB domain containing 1; plus strand), CEP20 (centrosomal protein 20; minus strand) and 17 more. Cytogenetic location: 16p13.12-12.3.
Variant type: copy number gain.
Change: copy number 3 (three copies instead of two) of chr16:14,365,745-17,052,798 (2.69 Mb, GRCh37 coordinates, 1-based), cytogenetic band 16p13.12-12.3.
Identifiers: ClinVar variation 1808599 (VCV001808599.1).